The following is an entry in ClinVar:

ClinVar aggregate classification (germline): Pathogenic (1 of 4 stars; one submission).

Submission:

Labcorp Genetics (formerly Invitae), Labcorp
Classification: Pathogenic. Last evaluated: 2022-05-18. Review status: criteria provided, single submitter. Criteria: Invitae Variant Classification Sherloc (09022015). Collection method: clinical testing. Allele origin: germline.
Comment: This sequence change creates a premature translational stop signal (p.Ser225*) in the TFAP2A gene. It is expected to result in an absent or disrupted protein product. Loss-of-function variants in TFAP2A are known to be pathogenic (PMID: 8622766, 20150232, 21204207, 21539471, 21728810). This variant is not present in population databases (gnomAD no frequency). This variant has not been reported in the literature in individuals affected with TFAP2A-related conditions. For these reasons, this variant has been classified as Pathogenic.

Literature cited by the submitters: PubMed 8622766; PubMed 20150232; PubMed 21204207; PubMed 21539471; PubMed 21728810.

NM_001372066.1(TFAP2A):c.680C>A (p.Ser227Ter)

Genes: TFAP2A (transcription factor AP-2 alpha; minus strand), TFAP2A-AS2 (TFAP2A antisense RNA 2; plus strand), LOC121740638 (BRD4-independent group 4 enhancer GRCh37_chr6:10403277-10404476; plus strand). Cytogenetic location: 6p24.3.
Variant type: single nucleotide variant.
Coding change: c.680C>A on transcript NM_001372066.1 (MANE Select); coding-DNA position 680, C replaced by A.
Protein change: p.Ser227Ter; replaces serine 227 with a stop codon.
Molecular consequence: nonsense. On other transcripts: non-coding transcript variant (1).
Genome position (GRCh38, 1-based): chr6:10,404,598, G>T on the plus strand (C>A on the coding strand, the complement: TFAP2A is on the minus strand). VCF-style: chr6-10404598-G-T. GRCh37 (hg19) VCF-style: chr6-10404831-G-T.
Other names: c.656C>A, p.Ser219Ter (NM_001032280.3); c.662C>A, p.Ser221Ter (NM_001042425.3); short protein forms S221*, S219*, S227*.
Identifiers: ClinVar variation 1996184 (VCV001996184.4), dbSNP rs2532363869, ClinGen allele CA362701404.